The following is an entry in ClinVar:

NM_000037.4(ANK1):c.5569C>T (p.Gln1857Ter)

Gene: ANK1 (ankyrin 1; minus strand). Cytogenetic location: 8p11.21.
Variant type: single nucleotide variant.
Coding change: c.5569C>T on transcript NM_000037.4 (MANE Select); coding-DNA position 5569, C replaced by T.
Protein change: p.Gln1857Ter; replaces glutamine 1857 with a stop codon.
Molecular consequence: nonsense. On other transcripts: intron variant (6).
Genome position (GRCh38, 1-based): chr8:41,661,540, G>A on the plus strand (C>T on the coding strand, the complement: ANK1 is on the minus strand). VCF-style: chr8-41661540-G-A. GRCh37 (hg19) VCF-style: chr8-41519058-G-A.
Other names: c.394C>T, p.Gln132Ter (NM_020478.5); c.5667+336C>T (NM_001142446.2); c.5133+261C>T (NM_020477.3); c.5544+336C>T (NM_020475.3); c.5619+261C>T (NM_020476.3); c.303+2119C>T (NM_020480.5); c.444+261C>T (NM_001142445.2); short protein forms Q132*, Q1857*.
Identifiers: ClinVar variation 5021036 (VCV005021036.1).
Genomic context (GRCh38, chr8:41,661,540, plus strand): 5'-TTTTCAGGCTGGCCCGCTTCACTATCTGCGCCCCCTTCCTGCCCTCTATCAGGTCCGGCT[G>A]TAGGCCACTCCCTCTCAGCTCCACCTGCAGACAGCAGCAGAGACAGAAAGCAGGACAGAT-3'

ClinVar aggregate classification (germline): Uncertain significance (1 of 4 stars; one submission).

Submission:

Dasa
Classification: Uncertain significance. Last evaluated: 2024-12-05. Review status: criteria provided, single submitter. Criteria: DASA Assertion Criteria. Collection method: clinical testing. Allele origin: germline.
Comment: NM_000037.4(ANK1):c.5569C>T (p.Gln1857*) is a nonsense variant in ANK1 predicted to introduce a premature termination codon and is predicted to result in an absent or altered protein product. This variant is absent from population databases. The currently available literature and clinical evidence are not sufficient to establish a definitive association between this variant and the reported condition. Therefore, this variant is classified as a variant of uncertain significance.